The following is an entry in ClinVar:

ClinVar aggregate classification (germline): Uncertain significance (1 of 4 stars; one submission).

Conditions:
Developmental and epileptic encephalopathy, 53. Also called: Epileptic encephalopathy, early infantile, 53. Identifiers: MedGen C4479313, MONDO:0033362, OMIM 617389.
Early-onset Parkinson disease 20. Also called: PARKINSON DISEASE 20, AUTOSOMAL RECESSIVE EARLY-ONSET. Identifiers: Orphanet 391411, MedGen C3809824, MONDO:0014233, OMIM 615530.

Submission:

Labcorp Genetics (formerly Invitae), Labcorp
Classification: Uncertain significance for Developmental and epileptic encephalopathy, 53; Early-onset Parkinson disease 20. Last evaluated: 2022-01-28. Review status: criteria provided, single submitter. Criteria: Invitae Variant Classification Sherloc (09022015). Collection method: clinical testing. Allele origin: germline.
Comment: In summary, the available evidence is currently insufficient to determine the role of this variant in disease. Therefore, it has been classified as a Variant of Uncertain Significance. Algorithms developed to predict the effect of missense changes on protein structure and function are either unavailable or do not agree on the potential impact of this missense change (SIFT: "Deleterious"; PolyPhen-2: "Benign"; Align-GVGD: "Class C0"). This variant has not been reported in the literature in individuals affected with SYNJ1-related conditions. This variant is not present in population databases (gnomAD no frequency). This sequence change replaces threonine, which is neutral and polar, with asparagine, which is neutral and polar, at codon 1388 of the SYNJ1 protein (p.Thr1388Asn).

NM_203446.3(SYNJ1):c.*134C>A

Gene: SYNJ1 (synaptojanin 1; minus strand). Cytogenetic location: 21q22.11.
Variant type: single nucleotide variant.
Coding change: c.*134C>A on transcript NM_203446.3 (MANE Select); 134 bases downstream of the stop codon, C replaced by A.
Molecular consequence: 3 prime UTR variant. On other transcripts: missense variant (2).
Genome position (GRCh38, 1-based): chr21:32,631,671, G>T on the plus strand (C>A on the coding strand, the complement: SYNJ1 is on the minus strand). VCF-style: chr21-32631671-G-T. GRCh37 (hg19) VCF-style: chr21-34003981-G-T.
Other names: c.*134C>A (NM_001160302.2); c.3905C>A, p.Thr1302Asn (NM_001160306.2); c.4163C>A, p.Thr1388Asn (NM_003895.4); short protein forms T1302N, T1388N.
Identifiers: ClinVar variation 2091005 (VCV002091005.4), dbSNP rs2517274824, ClinGen allele CA410082886.